The following is an entry in ClinVar:

NM_003640.5(ELP1):c.1973A>G (p.His658Arg)

Gene: ELP1 (elongator acetyltransferase complex subunit 1; minus strand). Cytogenetic location: 9q31.3.
Variant type: single nucleotide variant.
Coding change: c.1973A>G on transcript NM_003640.5 (MANE Select); coding-DNA position 1973, A replaced by G.
Protein change: p.His658Arg; replaces histidine 658 with arginine.
Molecular consequence: missense variant.
Genome position (GRCh38, 1-based): chr9:108,901,466, T>C on the plus strand (A>G on the coding strand, the complement: ELP1 is on the minus strand). VCF-style: chr9-108901466-T-C. GRCh37 (hg19) VCF-style: chr9-111663746-T-C.
Other names: c.1973A>G (LRG_251t1, NM_003640.4); c.1631A>G, p.His544Arg (NM_001318360.2); c.926A>G, p.His309Arg (NM_001330749.2); short protein forms H658R, H309R, H544R.
Identifiers: ClinVar variation 526200 (VCV000526200.20), dbSNP rs372151936, ClinGen allele CA197537643.

ClinVar aggregate classification (germline): Uncertain significance. Review status: criteria provided, multiple submitters, no conflicts (2 of 4 stars). 6 submissions from 6 submitters: Uncertain significance (4). 2 of the submissions do not count toward it. Last evaluated 2026-10-15.

Conditions:
Familial dysautonomia. Also called: FD; HSAN III. Identifiers: Orphanet 1764, MedGen C0013364, MONDO:0009131, OMIM 223900. Disease mechanism: loss of function.

Allele frequency attached by ClinVar (database versions not stated): gnomAD 0.00004 and 0.00003; TOPMed 0.00003; ESP Exome Variant Server 0.00008; gnomAD exomes 0.00001 and below 0.00001.
gnomAD v4.1: 24 of 1,613,910 alleles (0.0015%); highest among the groups gnomAD compares: Non-Finnish European, 0.0019%; no homozygotes.

Submissions (6):

GeneDx
Classification: Uncertain significance. Last evaluated: 2026-10-15. Review status: criteria provided, single submitter. Criteria: GeneDx Variant Classification Process June 2021. Collection method: clinical testing. Allele origin: germline.
Comment: Not observed at significant frequency in large population cohorts (gnomAD); In silico analysis supports that this missense variant has a deleterious effect on protein structure/function; Has not been previously published as pathogenic or benign to our knowledge

Ambry Genetics
Classification: Uncertain significance. Last evaluated: 2025-10-25. Review status: criteria provided, single submitter. Criteria: Ambry Variant Classification Scheme 2023. Collection method: clinical testing. Allele origin: germline.
Comment: The p.H658R variant (also known as c.1973A>G), located in coding exon 17 of the IKBKAP gene, results from an A to G substitution at nucleotide position 1973. The histidine at codon 658 is replaced by arginine, an amino acid with highly similar properties. This amino acid position is conserved. In addition, the in silico prediction for this alteration is inconclusive. Based on the available evidence, the clinical significance of this variant remains unclear.

Labcorp Genetics (formerly Invitae), Labcorp
Classification: Uncertain significance. Last evaluated: 2024-12-04. Review status: criteria provided, single submitter. Criteria: Invitae Variant Classification Sherloc (09022015). Collection method: clinical testing. Allele origin: germline.
Comment: This sequence change replaces histidine, which is basic and polar, with arginine, which is basic and polar, at codon 658 of the ELP1 protein (p.His658Arg). This variant is present in population databases (rs372151936, gnomAD 0.0009%). This variant has not been reported in the literature in individuals affected with ELP1-related conditions. ClinVar contains an entry for this variant (Variation ID: 526200). Invitae Evidence Modeling of protein sequence and biophysical properties (such as structural, functional, and spatial information, amino acid conservation, physicochemical variation, residue mobility, and thermodynamic stability) indicates that this missense variant is expected to disrupt ELP1 protein function with a positive predictive value of 80%. In summary, the available evidence is currently insufficient to determine the role of this variant in disease. Therefore, it has been classified as a Variant of Uncertain Significance.

Mayo Clinic Laboratories, Mayo Clinic
Classification: Uncertain significance. Last evaluated: 2022-08-10. Review status: criteria provided, single submitter. Criteria: ACMG Guidelines, 2015. Collection method: clinical testing. Allele origin: germline. Observed: 2 variant alleles.

Natera, Inc.
Classification: Uncertain significance for Familial dysautonomia. Last evaluated: 2020-02-12. Review status: no assertion criteria provided. Collection method: clinical testing. Allele origin: germline. Not counted in ClinVar's aggregate classification.

Counsyl
Classification: Uncertain significance for Familial dysautonomia. Last evaluated: 2016-12-23. Review status: no assertion criteria provided. Collection method: clinical testing. Allele origin: unknown. Not counted in ClinVar's aggregate classification.